The following is an entry in ClinVar:

ClinVar aggregate classification (germline): Pathogenic (1 of 4 stars; one submission).

Conditions:
PKD1-related disorder. Also called: PKD1-related condition.

Submission:

PreventionGenetics, part of Exact Sciences
Classification: Pathogenic for PKD1-related condition. Last evaluated: 2023-02-03. Review status: criteria provided, single submitter. Criteria: ACMG Guidelines, 2015. Collection method: clinical testing. Allele origin: germline.
Comment: The PKD1 c.12382G>T variant is predicted to result in premature protein termination (p.Glu4128*). This variant was reported in an individual with polycystic kidney disease (reported as E4127X at Rossetti et al. 2003. PubMed ID: 12842373). This variant has not been reported in a large population database, indicating this variant is rare. Nonsense variants in PKD1 are expected to be pathogenic. This variant is interpreted as pathogenic.

NM_001009944.3(PKD1):c.12382G>T (p.Glu4128Ter)

Gene: PKD1 (polycystin 1, transient receptor potential channel interacting; minus strand). Cytogenetic location: 16p13.3.
Variant type: single nucleotide variant.
Coding change: c.12382G>T on transcript NM_001009944.3 (MANE Select); coding-DNA position 12382, G replaced by T.
Protein change: p.Glu4128Ter; replaces glutamic acid 4128 with a stop codon.
Molecular consequence: nonsense.
Genome position (GRCh38, 1-based): chr16:2,090,347, C>A on the plus strand (G>T on the coding strand, the complement: PKD1 is on the minus strand). VCF-style: chr16-2090347-C-A. GRCh37 (hg19) VCF-style: chr16-2140348-C-A.
Other names: c.12379G>T, p.Glu4127Ter (NM_000296.4); short protein forms E4127*, E4128*.
Identifiers: ClinVar variation 2630198 (VCV002630198.1), dbSNP rs1596473289, ClinGen allele CA394324930.